The following is an entry in ClinVar:

ClinVar aggregate classification (germline): Conflicting classifications of pathogenicity. Review status: criteria provided, conflicting classifications (1 of 4 stars). 2 submissions from 2 submitters: Uncertain significance (1); Likely benign (1). Last evaluated 2024-07-05.

Allele frequency attached by ClinVar (database versions not stated): ExAC 0.00001; TOPMed 0.00001.
gnomAD v4.1: 6 of 1,211,148 alleles (0.0005%); highest among the groups gnomAD compares: Admixed American, 0.0022%; no homozygotes.

Submissions (2):

Labcorp Genetics (formerly Invitae), Labcorp
Classification: Likely benign. Last evaluated: 2024-07-05. Review status: criteria provided, single submitter. Criteria: Invitae Variant Classification Sherloc (09022015). Collection method: clinical testing. Allele origin: germline.

Women's Health and Genetics/Laboratory Corporation of America, LabCorp
Classification: Uncertain significance. Last evaluated: 2024-05-01. Review status: criteria provided, single submitter. Criteria: LabCorp Variant Classification Summary - May 2015. Collection method: clinical testing. Allele origin: germline.
Comment: Variant summary: COL4A5 c.730A>T (p.Ile244Phe) results in a non-conservative amino acid change in the encoded protein sequence. Three of five in-silico tools predict a benign effect of the variant on protein function. The variant allele was found at a frequency of 1.1e-05 in 183247 control chromosomes (gnomAD). The available data on variant occurrences in the general population are insufficient to allow any conclusion about variant significance. To our knowledge, no occurrence of c.730A>T in individuals affected with X-Linked Alport Syndrome and no experimental evidence demonstrating its impact on protein function have been reported. ClinVar contains an entry for this variant (Variation ID: 2193026). Based on the evidence outlined above, the variant was classified as uncertain significance.

NM_033380.3(COL4A5):c.730A>T (p.Ile244Phe)

Gene: COL4A5 (collagen type IV alpha 5 chain; plus strand). Cytogenetic location: Xq22.3.
Variant type: single nucleotide variant.
Coding change: c.730A>T on transcript NM_033380.3 (MANE Select); coding-DNA position 730, A replaced by T.
Protein change: p.Ile244Phe; replaces isoleucine 244 with phenylalanine.
Molecular consequence: missense variant.
Genome position (GRCh38, 1-based): chrX:108,578,333, A>T. VCF-style: chrX-108578333-A-T. GRCh37 (hg19) VCF-style: chrX-107821563-A-T.
Other names: c.730A>T, p.Ile244Phe (NM_000495.5); short protein forms I244F.
Identifiers: ClinVar variation 2193026 (VCV002193026.5), dbSNP rs781741390, ClinGen allele CA10488553.